The following is an entry in ClinVar:

NM_002968.3(SALL1):c.2461C>G (p.Leu821Val)

Gene: SALL1 (spalt like transcription factor 1; minus strand). Cytogenetic location: 16q12.1.
Variant type: single nucleotide variant.
Coding change: c.2461C>G on transcript NM_002968.3 (MANE Select); coding-DNA position 2461, C replaced by G.
Protein change: p.Leu821Val; replaces leucine 821 with valine.
Molecular consequence: missense variant.
Genome position (GRCh38, 1-based): chr16:51,139,761, G>C on the plus strand (C>G on the coding strand, the complement: SALL1 is on the minus strand). VCF-style: chr16-51139761-G-C. GRCh37 (hg19) VCF-style: chr16-51173672-G-C.
Other names: c.2170C>G, p.Leu724Val (NM_001127892.2); short protein forms L821V, L724V.
Identifiers: ClinVar variation 1445769 (VCV001445769.8), dbSNP rs766208261, ClinGen allele CA8053101.

ClinVar aggregate classification (germline): Uncertain significance (1 of 4 stars; one submission).

Conditions:
Townes syndrome (TBS). Also called: Townes-Brocks syndrome. Identifiers: Orphanet 857, MedGen C0265246, MeSH C536974, MONDO:0007142.

Allele frequency attached by ClinVar (database versions not stated): TOPMed below 0.00001; gnomAD 0.00001; ExAC 0.00002; gnomAD exomes 0.00002.
gnomAD v4.1: 14 of 1,614,092 alleles (0.00087%); highest among the groups gnomAD compares: East Asian, 0.029%; no homozygotes.

Submission:

Labcorp Genetics (formerly Invitae), Labcorp
Classification: Uncertain significance for Townes syndrome. Last evaluated: 2022-07-25. Review status: criteria provided, single submitter. Criteria: Invitae Variant Classification Sherloc (09022015). Collection method: clinical testing. Allele origin: germline.
Comment: This variant is present in population databases (rs766208261, gnomAD 0.03%). In summary, the available evidence is currently insufficient to determine the role of this variant in disease. Therefore, it has been classified as a Variant of Uncertain Significance. Algorithms developed to predict the effect of missense changes on protein structure and function output the following: SIFT: "Tolerated"; PolyPhen-2: "Benign"; Align-GVGD: "Class C0". The valine amino acid residue is found in multiple mammalian species, which suggests that this missense change does not adversely affect protein function. ClinVar contains an entry for this variant (Variation ID: 1445769). This variant has not been reported in the literature in individuals affected with SALL1-related conditions. This sequence change replaces leucine, which is neutral and non-polar, with valine, which is neutral and non-polar, at codon 821 of the SALL1 protein (p.Leu821Val).